The following is an entry in ClinVar:

ClinVar aggregate classification (germline): Benign/Likely benign. Review status: criteria provided, multiple submitters, no conflicts (2 of 4 stars). 11 submissions from 11 submitters: Benign (6); Likely benign (3). 2 of the submissions do not count toward it. Last evaluated 2026-08-01.

Conditions:
Cardiomyopathy (CMYO). Also called: Cardiomyopathies. Identifiers: Orphanet 167848, MedGen C0878544, MONDO:0004994, HP:0001638. Inheritance: Various modes of inheritance.
Left ventricular noncompaction 1 (LVNC1). Also called: LEFT VENTRICULAR NONCOMPACTION 1 WITH OR WITHOUT CONGENITAL HEART DEFECTS. Identifiers: Orphanet 54260, MedGen C1858725, MONDO:0011403, OMIM 604169.

Allele frequency attached by ClinVar (database versions not stated): 1000 Genomes Project 30x 0.00156; ESP Exome Variant Server 0.00638; 1000 Genomes Project 0.00140; ExAC 0.00426; TOPMed 0.00437; gnomAD exomes 0.00447 and 0.00786; gnomAD 0.00440 and 0.00459.
gnomAD v4.1: 11,970 of 1,614,098 alleles (0.74%); highest among the groups gnomAD compares: Non-Finnish European, 0.95%; 61 homozygotes.

Submissions (11):

CeGaT Center for Human Genetics Tuebingen
Classification: Likely benign. Last evaluated: 2026-08-01. Review status: criteria provided, single submitter. Criteria: CeGaT Center For Human Genetics Tuebingen Variant Classification Criteria Version 2. Collection method: clinical testing. Allele origin: germline. Affected: yes. Observed: 11 variant alleles.
Comment: DTNA: BP4, BS2

Labcorp Genetics (formerly Invitae), Labcorp
Classification: Benign for Left ventricular noncompaction 1. Last evaluated: 2026-02-04. Review status: criteria provided, single submitter. Criteria: Invitae Variant Classification Sherloc (09022015). Collection method: clinical testing. Allele origin: germline.

Blueprint Genetics
Classification: Likely benign. Last evaluated: 2024-11-28. Review status: criteria provided, single submitter. Criteria: ACMG Guidelines, 2015. Collection method: clinical testing. Allele origin: germline.

ARUP Laboratories, Molecular Genetics and Genomics, ARUP Laboratories
Classification: Benign for Left ventricular noncompaction 1. Last evaluated: 2023-10-26. Review status: criteria provided, single submitter. Criteria: ARUP Molecular Germline Variant Investigation Process 2024. Collection method: clinical testing. Allele origin: germline.

Eurofins Ntd Llc (ga)
Classification: Benign. Last evaluated: 2016-10-14. Review status: criteria provided, single submitter. Criteria: EGL Classification Definitions 2015. Collection method: clinical testing. Allele origin: germline. Observed: 1 variant allele, 1 heterozygote.

Genome Diagnostics Laboratory, University Medical Center Utrecht
Classification: Benign for Left ventricular noncompaction 1. Last evaluated: 2014-10-10. Review status: criteria provided, single submitter. Criteria: ACGS Guidelines, 2013. Collection method: clinical testing. Allele origin: germline. Affected: yes. Study: VKGL Data-share Consensus.

GeneDx
Classification: Benign. Last evaluated: 2014-03-10. Review status: criteria provided, single submitter. Criteria: GeneDx Variant Classification (06012015). Collection method: clinical testing. Allele origin: germline. Affected: yes.
Comment: This variant is considered likely benign or benign based on one or more of the following criteria: it is a conservative change, it occurs at a poorly conserved position in the protein, it is predicted to be benign by multiple in silico algorithms, and/or has population frequency not consistent with disease.

Laboratory for Molecular Medicine, Mass General Brigham Personalized Medicine
Classification: Benign. Last evaluated: 2012-02-02. Review status: criteria provided, single submitter. Criteria: LMM Criteria. Collection method: clinical testing. Allele origin: germline. Observed: 22 variant alleles.
Comment: Leu70Leu in exon 5 of DTNA: This variant is classified as benign based on its hi gh frequency in the general population (dbSNP rs117571555; NHLBI Exome Sequencin g Project).

Breakthrough Genomics
Classification: Likely benign. Review status: criteria provided, single submitter. Criteria: ACMG Guidelines, 2015. Collection method: not provided. Allele origin: germline. Inheritance: Autosomal dominant inheritance. Affected: yes.

Women's Health and Genetics/Laboratory Corporation of America, LabCorp
Classification: Benign for Cardiomyopathy. Last evaluated: 2015-06-04. Review status: no assertion criteria provided. Collection method: clinical testing. Allele origin: germline. Not counted in ClinVar's aggregate classification.

Diagnostic Laboratory, Department of Genetics, University Medical Center Groningen
Classification: Likely benign for Left ventricular noncompaction 1. Review status: no assertion criteria provided. Collection method: clinical testing. Allele origin: germline. Affected: yes. Study: VKGL Data-share Consensus. Not counted in ClinVar's aggregate classification.

NM_001386795.1(DTNA):c.210G>A (p.Leu70=)

Gene: DTNA (dystrobrevin alpha; plus strand). Cytogenetic location: 18q12.1.
Variant type: single nucleotide variant.
Coding change: c.210G>A on transcript NM_001386795.1 (MANE Select); coding-DNA position 210, G replaced by A.
Protein change: p.Leu70=; no amino-acid change (leucine 70 retained).
Molecular consequence: synonymous variant. On other transcripts: genic upstream transcript variant (1).
Genome position (GRCh38, 1-based): chr18:34,794,098, G>A. VCF-style: chr18-34794098-G-A. GRCh37 (hg19) VCF-style: chr18-32374062-G-A.
Other names: p.L70L:CTG>CTA; c.-24107G>A (NM_001198943.1); c.210G>A, p.Leu70= (NM_001128175.2, NM_001198938.2, NM_001198939.2 and 35 more transcripts).
Identifiers: ClinVar variation 36029 (VCV000036029.69), dbSNP rs117571555, ClinGen allele CA138319.